The following is an entry in ClinVar:

NM_000155.4(GALT):c.328+2T>C

Gene: GALT (galactose-1-phosphate uridylyltransferase; plus strand). Cytogenetic location: 9p13.3.
Variant type: single nucleotide variant.
Coding change: c.328+2T>C on transcript NM_000155.4 (MANE Select); the canonical splice donor site of the intron after coding-DNA position 328, T replaced by C.
Molecular consequence: splice donor variant. On other transcripts: intron variant (1).
Genome position (GRCh38, 1-based): chr9:34,647,569, T>C. VCF-style: chr9-34647569-T-C. GRCh37 (hg19) VCF-style: chr9-34647566-T-C.
Other names: c.51-263T>C (NM_001258332.2).
Identifiers: ClinVar variation 1687586 (VCV001687586.2), dbSNP rs111033849, ClinGen allele CA259358.

ClinVar aggregate classification (germline): Likely pathogenic. Review status: reviewed by expert panel (3 of 4 stars). 2 submissions from 2 submitters: Likely pathogenic (1). 1 of the submissions does not count toward it. Last evaluated 2026-06-23.

Conditions:
Deficiency of UDPglucose-hexose-1-phosphate uridylyltransferase. Also called: GALACTOSE-1-PHOSPHATE URIDYLYLTRANSFERASE DEFICIENCY; GALT deficiency; Galactosemia, classic; Transferase Deficiency Galactosemia; GALACTOSEMIA I. Identifiers: Orphanet 352, Orphanet 79239, MedGen C0268151, MONDO:0009258, OMIM 230400.
Galactosemia. Also called: Galactose intolerance. Identifiers: Orphanet 352, MedGen C0016952, MONDO:0018116, HP:0004919. Disease mechanism: loss of function.

Submissions (2):

Clingen Galactosemia Variant Curation Expert Panel, ClinGen
Classification: Likely pathogenic for Galactosemia. Last evaluated: 2026-06-23. Review status: reviewed by expert panel. Criteria: ClinGen Galactosemia ACMG Specifications GALT V1.1. Collection method: curation. Allele origin: germline. Inheritance: Autosomal recessive inheritance.
Comment: The c.328+2T>C (NM_000155.4) variant in GALT occurs within the canonical splice donor site (+2) of intron 3. It is predicted to cause skipping of biologically-relevant-exon 3/11, resulting in a frameshift leading to nonsense mediated decay in a gene in which loss-of-function is an established disease mechanism (PVS1; PMIDs: 2940989, 22944367). This variant is absent from gnomAD v4 (PM2_Supporting). However, the exact GALT activity in erythrocytes are not specified. In summary, ClinGen Galactosemia VCEP classified the variant as likely pathogenic based on PVS1 + PM2_supporting. ACMG/AMP criteria applied, as specified by the ClinGen Galactosemia VCEP: PM2_supporting, PVS1 (GALT specifications v1.0.0).

3billion
Classification: Pathogenic for Deficiency of UDPglucose-hexose-1-phosphate uridylyltransferase. Last evaluated: 2022-05-22. Review status: criteria provided, single submitter. Criteria: ACMG Guidelines, 2015. Collection method: clinical testing. Allele origin: germline. Affected: yes. Observed: 1 homozygote. Not counted in ClinVar's aggregate classification.
Comment: The variant is not observed in the gnomAD v2.1.1 dataset. Canonical splice site: predicted to alter splicing and result in a loss or disruption of normal protein function through nonsense-mediated decay (NMD) or protein truncation. Multiple pathogenic variants are reported downstream of the variant. Therefore, this variant is classified as pathogenic according to the recommendation of ACMG/AMP guideline.